The following is an entry in ClinVar:

ClinVar aggregate classification (germline): Uncertain significance (1 of 4 stars; one submission).

Allele frequency attached by ClinVar (database versions not stated): gnomAD exomes 0.00001; ExAC 0.00002; TOPMed 0.00003.
gnomAD v4.1: 11 of 1,613,952 alleles (0.00068%); highest among the groups gnomAD compares: East Asian, 0.0022%; no homozygotes.

Submission:

Ambry Genetics
Classification: Uncertain significance. Last evaluated: 2022-10-12. Review status: criteria provided, single submitter. Criteria: Ambry Variant Classification Scheme 2023. Collection method: clinical testing. Allele origin: germline.
Comment: The c.415C>T (p.P139S) alteration is located in exon (coding exon ) of the MPPED1 gene. This alteration results from a C to T substitution at nucleotide position 415, causing the proline (P) at amino acid position 139 to be replaced by a serine (S). Based on insufficient or conflicting evidence, the clinical significance of this alteration remains unclear.

NM_001044370.2(MPPED1):c.415C>T (p.Pro139Ser)

Gene: MPPED1 (metallophosphoesterase domain containing 1; plus strand). Cytogenetic location: 22q13.2.
Variant type: single nucleotide variant.
Coding change: c.415C>T on transcript NM_001044370.2 (MANE Select); coding-DNA position 415, C replaced by T.
Protein change: p.Pro139Ser; replaces proline 139 with serine.
Molecular consequence: missense variant.
Genome position (GRCh38, 1-based): chr22:43,474,744, C>T. VCF-style: chr22-43474744-C-T. GRCh37 (hg19) VCF-style: chr22-43870624-C-T.
Other names: c.415C>T, p.Pro139Ser (NM_001362786.2, NM_001585.2); short protein forms P139S.
Identifiers: ClinVar variation 2317906 (VCV002317906.2), dbSNP rs756083261, ClinGen allele CA10275199.